The following is an entry in ClinVar:

NM_001429.4(EP300):c.1443_1444delinsAC (p.Thr482Pro)

Gene: EP300 (EP300 lysine acetyltransferase; plus strand). Cytogenetic location: 22q13.2.
Variant type: Indel.
Coding change: c.1443_1444delinsAC on transcript NM_001429.4 (MANE Select); coding-DNA positions 1443 to 1444, GA replaced by AC.
Protein change: p.Thr482Pro; replaces threonine 482 with proline.
Molecular consequence: missense variant.
Genome position (GRCh38, 1-based): chr22:41,131,548-41,131,549, GA replaced by AC. VCF-style: chr22-41131548-GA-AC. GRCh37 (hg19) VCF-style: chr22-41527552-GA-AC.
Other names: c.1443_1444delinsAC, p.Thr482Pro (NM_001362843.2); short protein forms T482P.
Identifiers: ClinVar variation 2035583 (VCV002035583.4), dbSNP rs2518134890, ClinGen allele CA2580099884.
Genomic context (GRCh38, chr22:41,131,548, plus strand): 5'-CAGCTCCATAGAAAGAGCCTATGCAGCTCTTGGACTACCCTATCAAGTAAATCAGATGCC[GA>AC]CACAACCCCAGGTGCAAGCAAAGAACCAGCAGAATCAGCAGCCTGGGCAGTCTCCCCAAG-3'
Protein context (NP_001420.2, residues 472-492): GLPYQVNQMP[Thr482Pro]QPQVQAKNQQ

ClinVar aggregate classification (germline): Uncertain significance (1 of 4 stars; one submission).

Conditions:
Rubinstein-Taybi syndrome due to EP300 haploinsufficiency. Also called: EP300-Related Rubinstein-Taybi Syndrome; RUBINSTEIN-TAYBI SYNDROME 2. Identifiers: Orphanet 353284, Orphanet 783, MedGen C3150941, MONDO:0013364, OMIM 613684.

Submission:

Labcorp Genetics (formerly Invitae), Labcorp
Classification: Uncertain significance for Rubinstein-Taybi syndrome due to EP300 haploinsufficiency. Last evaluated: 2025-02-03. Review status: criteria provided, single submitter. Criteria: Invitae Variant Classification Sherloc (09022015). Collection method: clinical testing. Allele origin: germline.
Comment: This sequence change replaces threonine, which is neutral and polar, with proline, which is neutral and non-polar, at codon 482 of the EP300 protein (p.Thr482Pro). Information on the frequency of this variant in the gnomAD database is not available, as this variant may be reported differently in the database. This variant has not been reported in the literature in individuals affected with EP300-related conditions. ClinVar contains an entry for this variant (Variation ID: 2035583). Experimental studies and prediction algorithms are not available or were not evaluated, and the functional significance of this variant is currently unknown. In summary, the available evidence is currently insufficient to determine the role of this variant in disease. Therefore, it has been classified as a Variant of Uncertain Significance.